The following is an entry in ClinVar:

ClinVar aggregate classification (germline): Conflicting classifications of pathogenicity. Review status: criteria provided, conflicting classifications (1 of 4 stars). 8 submissions from 8 submitters: Uncertain significance (7); Likely benign (1). Last evaluated 2025-07-27.

Conditions:
Hereditary cancer-predisposing syndrome. Also called: Neoplastic Syndromes, Hereditary; Hereditary neoplastic syndrome; Tumor predisposition; Hereditary Cancer Syndrome. Identifiers: Orphanet 140162, MedGen C0027672, MeSH D009386, MONDO:0015356.
Familial cancer of breast. Also called: BREAST CANCER, FAMILIAL; Hereditary breast cancer; hereditary breast carcinoma. Identifiers: Orphanet 227535, MedGen C0346153, MONDO:0016419, OMIM 114480. Disease mechanism: loss of function.

Allele frequency attached by ClinVar (database versions not stated): gnomAD 0.00001; TOPMed 0.00001.
gnomAD v4.1: 13 of 1,613,840 alleles (0.00081%); highest among the groups gnomAD compares: Non-Finnish European, 0.001%; no homozygotes.

Submissions (8):

Dasa
Classification: Uncertain significance. Last evaluated: 2025-07-27. Review status: criteria provided, single submitter. Criteria: DASA Assertion Criteria. Collection method: clinical testing. Allele origin: germline.
Comment: NM_000465.4(BARD1):c.1808C>A (p.Thr603Lys) is a missense variant that results in the substitution of threonine with lysine. This variant is rare in population databases. The currently available literature and clinical evidence are not sufficient to establish a definitive association between this variant and the reported condition. Therefore, this variant is classified as a variant of uncertain significance.

Labcorp Genetics (formerly Invitae), Labcorp
Classification: Uncertain significance for Familial cancer of breast. Last evaluated: 2025-07-21. Review status: criteria provided, single submitter. Criteria: Invitae Variant Classification Sherloc (09022015). Collection method: clinical testing. Allele origin: germline.
Comment: This sequence change replaces threonine, which is neutral and polar, with lysine, which is basic and polar, at codon 603 of the BARD1 protein (p.Thr603Lys). This variant is present in population databases (rs730881421, gnomAD 0.0009%). This variant has not been reported in the literature in individuals affected with BARD1-related conditions. ClinVar contains an entry for this variant (Variation ID: 182050). An algorithm developed to predict the effect of missense changes on protein structure and function (PolyPhen-2) suggests that this variant is likely to be tolerated. In summary, the available evidence is currently insufficient to determine the role of this variant in disease. Therefore, it has been classified as a Variant of Uncertain Significance.

Ambry Genetics
Classification: Uncertain significance for Hereditary cancer-predisposing syndrome. Last evaluated: 2025-04-16. Review status: criteria provided, single submitter. Criteria: Ambry Variant Classification Scheme 2023. Collection method: clinical testing. Allele origin: germline.
Comment: The p.T603K variant (also known as c.1808C>A), located in coding exon 8 of the BARD1 gene, results from a C to A substitution at nucleotide position 1808. The threonine at codon 603 is replaced by lysine, an amino acid with similar properties. This amino acid position is well conserved in available vertebrate species. In addition, the in silico prediction for this alteration is inconclusive. Since supporting evidence is limited at this time, the clinical significance of this alteration remains unclear.

Color Diagnostics, LLC DBA Color Health
Classification: Uncertain significance for Hereditary cancer-predisposing syndrome. Last evaluated: 2024-08-27. Review status: criteria provided, single submitter. Criteria: ACMG Guidelines, 2015. Collection method: clinical testing. Allele origin: germline.
Comment: This missense variant replaces threonine with lysine at codon 603 of the BARD1 protein. Computational prediction suggests that this variant may not impact protein structure and function. To our knowledge, functional studies have not been reported for this variant. This variant has not been reported in individuals affected with hereditary cancer in the literature. This variant has been identified in 1/251106 chromosomes in the general population by the Genome Aggregation Database (gnomAD). The available evidence is insufficient to determine the role of this variant in disease conclusively. Therefore, this variant is classified as a Variant of Uncertain Significance.

Myriad Genetics, Inc.
Classification: Likely benign for Familial cancer of breast. Last evaluated: 2024-07-26. Review status: criteria provided, single submitter. Criteria: Myriad Autosomal Dominant, Autosomal Recessive and X-Linked Classification Criteria (2023). Collection method: clinical testing. Allele origin: unknown.
Comment: This variant is considered likely benign. This variant is strongly associated with less severe personal and family histories of cancer, typical for individuals without pathogenic variants in this gene [PMID: 25085752].

Baylor Genetics
Classification: Uncertain significance for Familial cancer of breast. Last evaluated: 2024-01-23. Review status: criteria provided, single submitter. Criteria: ACMG Guidelines, 2015. Collection method: clinical testing. Allele origin: unknown.

Women's Health and Genetics/Laboratory Corporation of America, LabCorp
Classification: Uncertain significance. Last evaluated: 2022-04-22. Review status: criteria provided, single submitter. Criteria: LabCorp Variant Classification Summary - May 2015. Collection method: clinical testing. Allele origin: germline.

GeneDx
Classification: Uncertain significance. Last evaluated: 2018-07-03. Review status: criteria provided, single submitter. Criteria: GeneDx Variant Classification (06012015). Collection method: clinical testing. Allele origin: germline. Affected: yes.
Comment: This variant is denoted BARD1 c.1808C>A at the cDNA level, p.Thr603Lys (T603K) at the protein level, and results in the change of a Threonine to a Lysine (ACA>AAA). This variant has not, to our knowledge, been published in the literature as a pathogenic or benign germline variant. BARD1 Thr603Lys was not observed at a significant allele frequency in large population cohorts (Lek 2016). This variant is located in the BRCT1 domain (Fox 2008, UniProt). In silico analysis, which includes protein predictors and evolutionary conservation, supports a deleterious effect. Based on currently available evidence, it is unclear whether BARD1 Thr603Lys is a pathogenic or benign variant. We consider it to be a variant of uncertain significance.

Literature cited by the submitters: PubMed 25085752 (cited by Myriad Genetics, Inc.).

NM_000465.4(BARD1):c.1808C>A (p.Thr603Lys)

Gene: BARD1 (BRCA1 associated RING domain 1; minus strand). Cytogenetic location: 2q35.
Variant type: single nucleotide variant.
Coding change: c.1808C>A on transcript NM_000465.4 (MANE Select); coding-DNA position 1808, C replaced by A.
Protein change: p.Thr603Lys; replaces threonine 603 with lysine.
Molecular consequence: missense variant. On other transcripts: non-coding transcript variant (3), intron variant (1).
Genome position (GRCh38, 1-based): chr2:214,745,724, G>T on the plus strand (C>A on the coding strand, the complement: BARD1 is on the minus strand). VCF-style: chr2-214745724-G-T. GRCh37 (hg19) VCF-style: chr2-215610448-G-T.
Other names: p.T603K:ACA>AAA; c.1751C>A, p.Thr584Lys (NM_001282543.2); c.455C>A, p.Thr152Lys (NM_001282545.2); c.398C>A, p.Thr133Lys (NM_001282548.2); c.365-15216C>A (NM_001282549.2); short protein forms T603K, T152K, T133K, T584K.
Identifiers: ClinVar variation 182050 (VCV000182050.30), dbSNP rs730881421, ClinGen allele CA298472.